The following is an entry in ClinVar:

NM_130837.3(OPA1):c.689G>A (p.Gly230Asp)

Genes: OPA1 (OPA1 mitochondrial dynamin like GTPase; plus strand), OPA1-AS1 (OPA1 antisense RNA 1; minus strand). Cytogenetic location: 3q29.
Variant type: single nucleotide variant.
Coding change: c.689G>A on transcript NM_130837.3 (MANE Select); coding-DNA position 689, G replaced by A.
Protein change: p.Gly230Asp; replaces glycine 230 with aspartic acid.
Molecular consequence: missense variant. On other transcripts: intron variant (5).
Genome position (GRCh38, 1-based): chr3:193,626,102, G>A. VCF-style: chr3-193626102-G-A. GRCh37 (hg19) VCF-style: chr3-193343891-G-A.
Other names: c.253-5510G>A (NM_001354664.2); c.571-5510G>A (NM_130832.3); c.517-5510G>A (NM_130831.3); c.625-5510G>A (NM_015560.3); c.679-5510G>A (NM_130834.3); c.581G>A, p.Gly194Asp (NM_130835.3); c.635G>A, p.Gly212Asp (NM_130836.3); c.155G>A, p.Gly52Asp (NM_001354663.2); and 1 more; short protein forms G194D, G230D, G176D, G52D, G212D.
Identifiers: ClinVar variation 3635808 (VCV003635808.2).
Genomic context (GRCh38, chr3:193,626,102, plus strand): 5'-ATTATTCTCCTCCCCAATTTCCTCTTCTCCTCATTGTGAACTCGTGGCAGGGTCTGCTTG[G>A]TGAGCTCATTCTCTTACAACAACAAATTCAAGAGCATGAAGAGGAAGCGCGCAGAGCCGC-3'
Protein context (NP_570850.2, residues 220-240): SDKHFRKGLL[Gly230Asp]ELILLQQQIQ

ClinVar aggregate classification (germline): Uncertain significance (1 of 4 stars; one submission).

gnomAD v4.1: 1 of 1,613,800 alleles (0.000062%); no homozygotes.

Submission:

Labcorp Genetics (formerly Invitae), Labcorp
Classification: Uncertain significance. Last evaluated: 2024-03-05. Review status: criteria provided, single submitter. Criteria: Invitae Variant Classification Sherloc (09022015). Collection method: clinical testing. Allele origin: germline.
Comment: The OPA1 gene has multiple clinically relevant transcripts. This variant occurs in alternate transcript NM_130837.2, and corresponds to NM_015560.2:c.625-5510G>A in the primary transcript. This sequence change replaces glycine, which is neutral and non-polar, with aspartic acid, which is acidic and polar, at codon 230 of the OPA1 protein (p.Gly230Asp). This variant is not present in population databases (gnomAD no frequency). This variant has not been reported in the literature in individuals affected with OPA1-related conditions. Algorithms developed to predict the effect of sequence changes on RNA splicing suggest that this variant is not likely to affect RNA splicing. In summary, the available evidence is currently insufficient to determine the role of this variant in disease. Therefore, it has been classified as a Variant of Uncertain Significance.